The following is an entry in ClinVar:

NM_182641.4(BPTF):c.6518G>T (p.Gly2173Val)

Gene: BPTF (bromodomain PHD finger transcription factor; plus strand). Cytogenetic location: 17q24.2.
Variant type: single nucleotide variant.
Coding change: c.6518G>T on transcript NM_182641.4 (MANE Select); coding-DNA position 6518, G replaced by T.
Protein change: p.Gly2173Val; replaces glycine 2173 with valine.
Molecular consequence: missense variant.
Genome position (GRCh38, 1-based): chr17:67,944,190, G>T. VCF-style: chr17-67944190-G-T. GRCh37 (hg19) VCF-style: chr17-65940306-G-T.
Other names: c.6707G>T, p.Gly2236Val (NM_001439139.1, NM_001439143.1, NM_001439144.1); c.6896G>T, p.Gly2299Val (NM_001439140.1, NM_001439142.1, NM_004459.7); c.6869G>T, p.Gly2290Val (NM_001439141.1); short protein forms G2173V, G2236V, G2290V, G2299V.
Identifiers: ClinVar variation 4688715 (VCV004688715.1).

ClinVar aggregate classification (germline): Uncertain significance (1 of 4 stars; one submission).

Submission:

Women's Health and Genetics/Laboratory Corporation of America, LabCorp
Classification: Uncertain significance. Last evaluated: 2025-12-01. Review status: criteria provided, single submitter. Criteria: LabCorp Variant Classification Summary - May 2015. Collection method: clinical testing. Allele origin: germline.
Comment: Variant summary: BPTF c.6896G>T (p.Gly2299Val) results in a non-conservative amino acid change in the encoded protein sequence. Algorithms developed to predict the effect of missense changes on protein structure and function are either unavailable or do not agree on the potential impact of this missense change. The variant was absent in 251442 control chromosomes. The available data on variant occurrences in the general population are insufficient to allow any conclusion about variant significance. To our knowledge, no occurrence of c.6896G>T in individuals affected with BPTF-related conditions and no experimental evidence demonstrating its impact on protein function have been reported. No submitters have cited clinical-significance assessments for this variant to ClinVar. Based on the evidence outlined above, the variant was classified as uncertain significance.